The following is an entry in ClinVar:

ClinVar aggregate classification (germline): Uncertain significance (1 of 4 stars; one submission).

Allele frequency attached by ClinVar (database versions not stated): TOPMed below 0.00001.

Submission:

Ambry Genetics
Classification: Uncertain significance. Last evaluated: 2021-07-18. Review status: criteria provided, single submitter. Criteria: Ambry Variant Classification Scheme 2023. Collection method: clinical testing. Allele origin: germline.
Comment: The p.A376T variant (also known as c.1126G>A), located in coding exon 6 of the GALNT12 gene, results from a G to A substitution at nucleotide position 1126. The alanine at codon 376 is replaced by threonine, an amino acid with similar properties. This amino acid position is conserved. In addition, the in silico prediction for this alteration is inconclusive. Since supporting evidence is limited at this time, the clinical significance of this alteration remains unclear.

NM_024642.5(GALNT12):c.1126G>A (p.Ala376Thr)

Gene: GALNT12 (polypeptide N-acetylgalactosaminyltransferase 12; plus strand). Cytogenetic location: 9q22.33.
Variant type: single nucleotide variant.
Coding change: c.1126G>A on transcript NM_024642.5 (MANE Select); coding-DNA position 1126, G replaced by A.
Protein change: p.Ala376Thr; replaces alanine 376 with threonine.
Molecular consequence: missense variant.
Genome position (GRCh38, 1-based): chr9:98,837,062, G>A. VCF-style: chr9-98837062-G-A. GRCh37 (hg19) VCF-style: chr9-101599344-G-A.
Other names: short protein forms A376T.
Identifiers: ClinVar variation 1799184 (VCV001799184.2), dbSNP rs765486750, ClinGen allele CA374219848.